The following is an entry in ClinVar:

ClinVar aggregate classification (germline): Uncertain significance (1 of 4 stars; one submission).

Submission:

Labcorp Genetics (formerly Invitae), Labcorp
Classification: Uncertain significance. Last evaluated: 2024-11-16. Review status: criteria provided, single submitter. Criteria: Invitae Variant Classification Sherloc (09022015). Collection method: clinical testing. Allele origin: germline.
Comment: This sequence change replaces serine, which is neutral and polar, with leucine, which is neutral and non-polar, at codon 169 of the FGF12 protein (p.Ser169Leu). This variant is not present in population databases (gnomAD no frequency). This variant has not been reported in the literature in individuals affected with FGF12-related conditions. Invitae Evidence Modeling of protein sequence and biophysical properties (such as structural, functional, and spatial information, amino acid conservation, physicochemical variation, residue mobility, and thermodynamic stability) has been performed for this missense variant. However, the output from this modeling did not meet the statistical confidence thresholds required to predict the impact of this variant on FGF12 protein function. In summary, the available evidence is currently insufficient to determine the role of this variant in disease. Therefore, it has been classified as a Variant of Uncertain Significance.

NM_004113.6(FGF12):c.320C>T (p.Ser107Leu)

Gene: FGF12 (fibroblast growth factor 12; minus strand). Cytogenetic location: 3q28.
Variant type: single nucleotide variant.
Coding change: c.320C>T on transcript NM_004113.6 (MANE Select); coding-DNA position 320, C replaced by T.
Protein change: p.Ser107Leu; replaces serine 107 with leucine.
Molecular consequence: missense variant.
Genome position (GRCh38, 1-based): chr3:192,170,565, G>A on the plus strand (C>T on the coding strand, the complement: FGF12 is on the minus strand). VCF-style: chr3-192170565-G-A. GRCh37 (hg19) VCF-style: chr3-191888354-G-A.
Other names: c.209C>T, p.Ser70Leu (NM_001377292.1); c.248C>T, p.Ser83Leu (NM_001377293.1, NM_001377294.1); c.506C>T, p.Ser169Leu (NM_021032.5); short protein forms S70L, S107L, S169L, S83L.
Identifiers: ClinVar variation 3725786 (VCV003725786.2).